The following is an entry in ClinVar:

NM_003126.4(SPTA1):c.1688G>A (p.Arg563Gln)

Gene: SPTA1 (spectrin alpha, erythrocytic 1; minus strand). Cytogenetic location: 1q23.1.
Variant type: single nucleotide variant.
Coding change: c.1688G>A on transcript NM_003126.4 (MANE Select); coding-DNA position 1688, G replaced by A.
Protein change: p.Arg563Gln; replaces arginine 563 with glutamine.
Molecular consequence: missense variant.
Genome position (GRCh38, 1-based): chr1:158,669,553, C>T on the plus strand (G>A on the coding strand, the complement: SPTA1 is on the minus strand). VCF-style: chr1-158669553-C-T. GRCh37 (hg19) VCF-style: chr1-158639343-C-T.
Other names: c.1688G>A (LRG_1131t1); short protein forms R563Q.
Identifiers: ClinVar variation 544820 (VCV000544820.38), dbSNP rs202243588, ClinGen allele CA1183648.

ClinVar aggregate classification (germline): Conflicting classifications of pathogenicity. Review status: criteria provided, conflicting classifications (1 of 4 stars). 8 submissions from 6 submitters: Uncertain significance (3); Benign (1); Likely benign (4). Last evaluated 2026-04-01.

Conditions:
Familial hemolytic anemia. Also called: Congenital hemolytic anemia. Identifiers: MedGen C0002881, MONDO:0003689, HP:0004804.
Pyropoikilocytosis, hereditary. Also called: Pyropoikilocytosis. Identifiers: MedGen C0520739, MONDO:0009948, OMIM 266140, HP:0004839. Disease mechanism: loss of function.
Elliptocytosis 2 (EL2). Also called: ELLIPTOCYTOSIS, RHESUS-UNLINKED TYPE. Identifiers: Orphanet 288, MedGen C1851741, MONDO:0007533, OMIM 130600.
SPTA1-related disorder. Also called: SPTA1-related disorders; SPTA1-related condition.
Hereditary spherocytosis type 3. Also called: Spherocytosis type 3; SPTA1-Related Spherocytosis. Identifiers: Orphanet 822, MedGen C2678338, MONDO:0010053, OMIM 270970.

Allele frequency attached by ClinVar (database versions not stated): gnomAD 0.00032 and 0.00051; TOPMed 0.00034; ESP Exome Variant Server 0.00041; gnomAD exomes 0.00079 and 0.00113; ExAC 0.00115; 1000 Genomes Project 0.00120; 1000 Genomes Project 30x 0.00141.
gnomAD v4.1: 1,225 of 1,614,086 alleles (0.076%); highest among the groups gnomAD compares: South Asian, 0.71%; 16 homozygotes.

Submissions (8):

CeGaT Center for Human Genetics Tuebingen
Classification: Likely benign. Last evaluated: 2026-04-01. Review status: criteria provided, single submitter. Criteria: CeGaT Center For Human Genetics Tuebingen Variant Classification Criteria Version 2. Collection method: clinical testing. Allele origin: germline. Affected: yes. Observed: 7 variant alleles.
Comment: SPTA1: BP4, BS2

Labcorp Genetics (formerly Invitae), Labcorp
Classification: Benign. Last evaluated: 2025-12-15. Review status: criteria provided, single submitter. Criteria: Invitae Variant Classification Sherloc (09022015). Collection method: clinical testing. Allele origin: germline.

ARUP Laboratories, Molecular Genetics and Genomics, ARUP Laboratories
Classification: Likely benign. Last evaluated: 2025-05-20. Review status: criteria provided, single submitter. Criteria: ARUP Molecular Germline Variant Investigation Process 2024. Collection method: clinical testing. Allele origin: germline.

PreventionGenetics, part of Exact Sciences
Classification: Likely benign for SPTA1-related condition. Last evaluated: 2025-02-26. Review status: criteria provided, single submitter. Criteria: ACMG Guidelines, 2015. Collection method: clinical testing. Allele origin: germline.
Comment: This variant is classified as likely benign based on ACMG/AMP sequence variant interpretation guidelines (Richards et al. 2015 PMID: 25741868, with internal and published modifications).

Department of Genetic, Henri Mondor Hospital, Assistance Publique des Hôpitaux de Paris
Classification: Uncertain significance for Familial hemolytic anemia. Last evaluated: 2018-02-27. Review status: criteria provided, single submitter. Criteria: ACMG Guidelines, 2015. Collection method: clinical testing. Allele origin: germline. Affected: yes.

Illumina Laboratory Services, Illumina
Classification: Likely benign for Elliptocytosis 2. Last evaluated: 2017-04-27. Review status: criteria provided, single submitter. Criteria: ICSL Variant Classification Criteria 13 December 2019. Collection method: clinical testing. Allele origin: germline.
Comment: This variant was observed as part of a predisposition screen in an ostensibly healthy population. A literature search was performed for the gene, cDNA change, and amino acid change (where applicable). Publications were found based on this search. The evidence from the literature, in combination with allele frequency data from public databases where available, was sufficient to determine this variant is unlikely to cause disease. Therefore, this variant is classified as likely benign.

Illumina Laboratory Services, Illumina
Classification: Uncertain significance for Pyropoikilocytosis, hereditary. Last evaluated: 2017-04-27. Review status: criteria provided, single submitter. Criteria: ICSL Variant Classification Criteria 13 December 2019. Collection method: clinical testing. Allele origin: germline.
Comment: This variant was observed as part of a predisposition screen in an ostensibly healthy population. A literature search was performed for the gene, cDNA change, and amino acid change (where applicable). Publications were found based on this search. However, the evidence from the literature, in combination with allele frequency data from public databases where available, was not sufficient to rule this variant in or out of causing disease. Therefore, this variant is classified as a variant of unknown significance.

Illumina Laboratory Services, Illumina
Classification: Uncertain significance for Hereditary spherocytosis type 3. Last evaluated: 2017-04-27. Review status: criteria provided, single submitter. Criteria: ICSL Variant Classification Criteria 13 December 2019. Collection method: clinical testing. Allele origin: germline.
Comment: the same text as in the submission from Illumina Laboratory Services, Illumina above.

Literature cited by the submitters: PubMed 26002053 (cited by Illumina Laboratory Services, Illumina).